The following is an entry in ClinVar:

ClinVar aggregate classification (germline): Uncertain significance (1 of 4 stars; one submission).

Conditions:
Saldino-Mainzer syndrome (SRTD9). Also called: short-rib thoracic dysplasia 9 with or without polydactyly; CONORENAL SYNDROME; Renal dysplasia, retinal pigmentary dystrophy, cerebellar ataxia and skeletal dysplasia; SHORT-RIB THORACIC DYSPLASIA 9 WITHOUT POLYDACTYLY. Identifiers: Orphanet 140969, MedGen C1849437, MONDO:0009964, OMIM 266920.

Submission:

Labcorp Genetics (formerly Invitae), Labcorp
Classification: Uncertain significance for Saldino-Mainzer syndrome. Last evaluated: 2025-10-21. Review status: criteria provided, single submitter. Criteria: Invitae Variant Classification Sherloc (09022015). Collection method: clinical testing. Allele origin: germline.
Comment: This sequence change replaces valine, which is neutral and non-polar, with methionine, which is neutral and non-polar, at codon 763 of the IFT140 protein (p.Val763Met). This variant is present in population databases (no rsID available, gnomAD 0.004%). This variant has not been reported in the literature in individuals affected with IFT140-related conditions. ClinVar contains an entry for this variant (Variation ID: 2159719). Invitae Evidence Modeling of protein sequence and biophysical properties (such as structural, functional, and spatial information, amino acid conservation, physicochemical variation, residue mobility, and thermodynamic stability) indicates that this missense variant is not expected to disrupt IFT140 protein function with a negative predictive value of 80%. In summary, the available evidence is currently insufficient to determine the role of this variant in disease. Therefore, it has been classified as a Variant of Uncertain Significance.

NM_014714.4(IFT140):c.2287G>A (p.Val763Met)

Gene: IFT140 (intraflagellar transport 140; minus strand). Cytogenetic location: 16p13.3.
Variant type: single nucleotide variant.
Coding change: c.2287G>A on transcript NM_014714.4 (MANE Select); coding-DNA position 2287, G replaced by A.
Protein change: p.Val763Met; replaces valine 763 with methionine.
Molecular consequence: missense variant.
Genome position (GRCh38, 1-based): chr16:1,558,047, C>T on the plus strand (G>A on the coding strand, the complement: IFT140 is on the minus strand). VCF-style: chr16-1558047-C-T. GRCh37 (hg19) VCF-style: chr16-1608048-C-T.
Other names: short protein forms V763M.
Identifiers: ClinVar variation 2159719 (VCV002159719.4), dbSNP rs1385739366, ClinGen allele CA394200700.